The following is an entry in ClinVar:

ClinVar aggregate classification (germline): Likely benign. Review status: criteria provided, single submitter (1 of 4 stars). 2 submissions from 2 submitters: Likely benign (1). 1 of the submissions does not count toward it. Last evaluated 2022-03-24.

Conditions:
Hereditary cancer-predisposing syndrome. Also called: Neoplastic Syndromes, Hereditary; Tumor predisposition; Hereditary Cancer Syndrome; Hereditary neoplastic syndrome. Identifiers: Orphanet 140162, MedGen C0027672, MeSH D009386, MONDO:0015356.
EPCAM-related disorder. Also called: EPCAM-related condition.

Submissions (2):

Ambry Genetics
Classification: Likely benign for Hereditary cancer-predisposing syndrome. Last evaluated: 2022-03-24. Review status: criteria provided, single submitter. Criteria: Ambry Variant Classification Scheme 2023. Collection method: clinical testing. Allele origin: germline.

PreventionGenetics, part of Exact Sciences
Classification: Likely benign for EPCAM-related condition. Last evaluated: 2024-07-18. Review status: no assertion criteria provided. Collection method: clinical testing. Allele origin: germline. Not counted in ClinVar's aggregate classification.
Comment: This variant is classified as likely benign based on ACMG/AMP sequence variant interpretation guidelines (Richards et al. 2015 PMID: 25741868, with internal and published modifications).

NM_002354.3(EPCAM):c.78A>G (p.Glu26=)

Gene: EPCAM (epithelial cell adhesion molecule; plus strand). Cytogenetic location: 2p21.
Variant type: single nucleotide variant.
Coding change: c.78A>G on transcript NM_002354.3 (MANE Select); coding-DNA position 78, A replaced by G.
Protein change: p.Glu26=; no amino-acid change (glutamic acid 26 retained).
Molecular consequence: synonymous variant.
Genome position (GRCh38, 1-based): chr2:47,373,464, A>G. VCF-style: chr2-47373464-A-G. GRCh37 (hg19) VCF-style: chr2-47600603-A-G.
Identifiers: ClinVar variation 1761105 (VCV001761105.3), dbSNP rs2103745491, ClinGen allele CA426012287.